The following is an entry in ClinVar:

NM_000130.5(F5):c.2434C>T (p.His812Tyr)

Gene: F5 (coagulation factor V; minus strand). Cytogenetic location: 1q24.2.
Variant type: single nucleotide variant.
Coding change: c.2434C>T on transcript NM_000130.5 (MANE Select); coding-DNA position 2434, C replaced by T.
Protein change: p.His812Tyr; replaces histidine 812 with tyrosine.
Molecular consequence: missense variant.
Genome position (GRCh38, 1-based): chr1:169,542,656, G>A on the plus strand (C>T on the coding strand, the complement: F5 is on the minus strand). VCF-style: chr1-169542656-G-A. GRCh37 (hg19) VCF-style: chr1-169511894-G-A.
Other names: c.2434C>T (NM_000130.4); short protein forms H812Y.
Identifiers: ClinVar variation 2215714 (VCV002215714.5), dbSNP rs1310289906, ClinGen allele CA343121082.

ClinVar aggregate classification (germline): Uncertain significance. Review status: criteria provided, multiple submitters, no conflicts (2 of 4 stars). 2 submissions from 2 submitters: Uncertain significance (2). Last evaluated 2023-09-08.

Conditions:
Inborn genetic diseases. Identifiers: MedGen C0950123, MeSH D030342.
Congenital factor V deficiency. Also called: OWREN PARAHEMOPHILIA; PARAHEMOPHILIA; LABILE FACTOR DEFICIENCY; Hereditary factor V deficiency disease. Identifiers: Orphanet 326, MedGen C0015499, MONDO:0009210, OMIM 227400.

Allele frequency attached by ClinVar (database versions not stated): gnomAD exomes below 0.00001; TOPMed 0.00002; gnomAD 0.00003.
gnomAD v4.1: 21 of 1,614,006 alleles (0.0013%); highest among the groups gnomAD compares: Non-Finnish European, 0.0018%; no homozygotes.

Submissions (2):

Labcorp Genetics (formerly Invitae), Labcorp
Classification: Uncertain significance for Congenital factor V deficiency. Last evaluated: 2023-09-08. Review status: criteria provided, single submitter. Criteria: Invitae Variant Classification Sherloc (09022015). Collection method: clinical testing. Allele origin: germline.
Comment: In summary, the available evidence is currently insufficient to determine the role of this variant in disease. Therefore, it has been classified as a Variant of Uncertain Significance. Advanced modeling of protein sequence and biophysical properties (such as structural, functional, and spatial information, amino acid conservation, physicochemical variation, residue mobility, and thermodynamic stability) performed at Invitae indicates that this missense variant is not expected to disrupt F5 protein function. ClinVar contains an entry for this variant (Variation ID: 2215714). This variant has not been reported in the literature in individuals affected with F5-related conditions. This variant is present in population databases (no rsID available, gnomAD 0.002%). This sequence change replaces histidine, which is basic and polar, with tyrosine, which is neutral and polar, at codon 812 of the F5 protein (p.His812Tyr).

Ambry Genetics
Classification: Uncertain significance for Inborn genetic diseases. Last evaluated: 2022-11-09. Review status: criteria provided, single submitter. Criteria: Ambry Variant Classification Scheme 2023. Collection method: clinical testing. Allele origin: germline.